The following is an entry in ClinVar:

ClinVar aggregate classification (germline): Uncertain significance (1 of 4 stars; one submission).

Allele frequency attached by ClinVar (database versions not stated): gnomAD exomes below 0.00001; TOPMed below 0.00001.
gnomAD v4.1: 3 of 1,613,826 alleles (0.00019%); highest among the groups gnomAD compares: Non-Finnish European, 0.00025%; no homozygotes.

Submission:

Labcorp Genetics (formerly Invitae), Labcorp
Classification: Uncertain significance. Last evaluated: 2022-07-26. Review status: criteria provided, single submitter. Criteria: Invitae Variant Classification Sherloc (09022015). Collection method: clinical testing. Allele origin: germline.
Comment: This sequence change falls in intron 17 of the IARS2 gene. It does not directly change the encoded amino acid sequence of the IARS2 protein. It affects a nucleotide within the consensus splice site. This variant is not present in population databases (gnomAD no frequency). This variant has not been reported in the literature in individuals affected with IARS2-related conditions. Variants that disrupt the consensus splice site are a relatively common cause of aberrant splicing (PMID: 17576681, 9536098). Algorithms developed to predict the effect of sequence changes on RNA splicing suggest that this variant is not likely to affect RNA splicing. In summary, the available evidence is currently insufficient to determine the role of this variant in disease. Therefore, it has been classified as a Variant of Uncertain Significance.

Literature cited by the submitters: PubMed 17576681; PubMed 9536098.

NM_018060.4(IARS2):c.2175+4A>C

Gene: IARS2 (isoleucyl-tRNA synthetase 2, mitochondrial; plus strand). Cytogenetic location: 1q41.
Variant type: single nucleotide variant.
Coding change: c.2175+4A>C on transcript NM_018060.4 (MANE Select); 4 bases into the intron after coding-DNA position 2175, A replaced by C.
Molecular consequence: intron variant.
Genome position (GRCh38, 1-based): chr1:220,138,047, A>C. VCF-style: chr1-220138047-A-C. GRCh37 (hg19) VCF-style: chr1-220311389-A-C.
Identifiers: ClinVar variation 2124116 (VCV002124116.4), dbSNP rs1657414827, ClinGen allele CA1222291268.
Genomic context (GRCh38, chr1:220,138,047, plus strand): 5'-ACCGAAGTTGCAATTGGCCCATCCGTGCTCAATGCTGCCAGAGATGATATTAGCAAGGTT[A>C]GAACTATTATTCTTCCTATTTCTAAAGGACAAGTTTGTCAAATCATTGTTTTAAAAAATG-3'